The following is an entry in ClinVar:

ClinVar aggregate classification (germline): Uncertain significance (1 of 4 stars; one submission).

Submission:

GeneDx
Classification: Uncertain significance. Last evaluated: 2024-03-25. Review status: criteria provided, single submitter. Criteria: GeneDx Variant Classification Process June 2021. Collection method: clinical testing. Allele origin: germline. Affected: yes.
Comment: Not observed at significant frequency in large population cohorts (gnomAD); In silico analysis supports that this missense variant does not alter protein structure/function; Has not been previously published as pathogenic or benign to our knowledge

NM_021629.4(GNB4):c.801C>A (p.Asp267Glu)

Gene: GNB4 (G protein subunit beta 4; minus strand). Cytogenetic location: 3q26.33.
Variant type: single nucleotide variant.
Coding change: c.801C>A on transcript NM_021629.4 (MANE Select); coding-DNA position 801, C replaced by A.
Protein change: p.Asp267Glu; replaces aspartic acid 267 with glutamic acid.
Molecular consequence: missense variant.
Genome position (GRCh38, 1-based): chr3:179,405,305, G>T on the plus strand (C>A on the coding strand, the complement: GNB4 is on the minus strand). VCF-style: chr3-179405305-G-T. GRCh37 (hg19) VCF-style: chr3-179123093-G-T.
Other names: short protein forms D267E.
Identifiers: ClinVar variation 3373583 (VCV003373583.1).